The following is an entry in ClinVar:

ClinVar aggregate classification (germline): Uncertain significance (1 of 4 stars; one submission).

Submission:

Ambry Genetics
Classification: Uncertain significance. Last evaluated: 2022-08-16. Review status: criteria provided, single submitter. Criteria: Ambry Variant Classification Scheme 2023. Collection method: clinical testing. Allele origin: germline.
Comment: The p.D375E variant (also known as c.1125T>A), located in coding exon 1 of the MLH3 gene, results from a T to A substitution at nucleotide position 1125. The aspartic acid at codon 375 is replaced by glutamic acid, an amino acid with highly similar properties. This amino acid position is conserved. In addition, this alteration is predicted to be tolerated by in silico analysis. Since supporting evidence is limited at this time, the clinical significance of this alteration remains unclear.

NM_001040108.2(MLH3):c.1125T>A (p.Asp375Glu)

Gene: MLH3 (mutL homolog 3; minus strand). Cytogenetic location: 14q24.3.
Variant type: single nucleotide variant.
Coding change: c.1125T>A on transcript NM_001040108.2 (MANE Select); coding-DNA position 1125, T replaced by A.
Protein change: p.Asp375Glu; replaces aspartic acid 375 with glutamic acid.
Molecular consequence: missense variant.
Genome position (GRCh38, 1-based): chr14:75,048,531, A>T on the plus strand (T>A on the coding strand, the complement: MLH3 is on the minus strand). VCF-style: chr14-75048531-A-T. GRCh37 (hg19) VCF-style: chr14-75515234-A-T.
Other names: c.1125T>A, p.Asp375Glu (NM_014381.3); short protein forms D375E.
Identifiers: ClinVar variation 1799029 (VCV001799029.2), dbSNP rs781394261, ClinGen allele CA390447418.